The following is an entry in ClinVar:

ClinVar aggregate classification (germline): Uncertain significance. Review status: criteria provided, multiple submitters, no conflicts (2 of 4 stars). 3 submissions from 3 submitters: Uncertain significance (3). Last evaluated 2026-07-24.

Conditions:
ZNF423-related disorder. Also called: ZNF423-related condition.
Nephronophthisis 14 (NPHP14). Identifiers: Orphanet 2318, MedGen C3539071, MONDO:0013916, OMIM 614844.

Allele frequency attached by ClinVar (database versions not stated): TOPMed below 0.00001; gnomAD 0.00001; ExAC 0.00003; gnomAD exomes 0.00003.
gnomAD v4.1: 42 of 1,613,744 alleles (0.0026%); highest among the groups gnomAD compares: Middle Eastern, 0.049%; no homozygotes.

Submissions (3):

PreventionGenetics, part of Exact Sciences
Classification: Uncertain significance for ZNF423-related condition. Last evaluated: 2026-07-24. Review status: criteria provided, single submitter. Criteria: ACMG Guidelines, 2015. Collection method: clinical testing. Allele origin: germline.
Comment: The ZNF423 c.688G>A variant is predicted to result in the amino acid substitution p.Gly230Ser. To our knowledge, this variant has not been reported in the literature. This variant is reported in 0.0087% of alleles in individuals of Latino descent in gnomAD. At this time, the clinical significance of this variant is uncertain due to the absence of conclusive functional and genetic evidence.

Ambry Genetics
Classification: Uncertain significance. Last evaluated: 2025-10-17. Review status: criteria provided, single submitter. Criteria: Ambry Variant Classification Scheme 2023. Collection method: clinical testing. Allele origin: germline.

Labcorp Genetics (formerly Invitae), Labcorp
Classification: Uncertain significance for Nephronophthisis 14. Last evaluated: 2024-10-16. Review status: criteria provided, single submitter. Criteria: Invitae Variant Classification Sherloc (09022015). Collection method: clinical testing. Allele origin: germline.
Comment: This sequence change replaces glycine, which is neutral and non-polar, with serine, which is neutral and polar, at codon 230 of the ZNF423 protein (p.Gly230Ser). This variant is present in population databases (rs780153015, gnomAD 0.009%). This variant has not been reported in the literature in individuals affected with ZNF423-related conditions. ClinVar contains an entry for this variant (Variation ID: 654978). Invitae Evidence Modeling of protein sequence and biophysical properties (such as structural, functional, and spatial information, amino acid conservation, physicochemical variation, residue mobility, and thermodynamic stability) indicates that this missense variant is not expected to disrupt ZNF423 protein function with a negative predictive value of 80%. In summary, the available evidence is currently insufficient to determine the role of this variant in disease. Therefore, it has been classified as a Variant of Uncertain Significance.

NM_001379286.1(ZNF423):c.712G>A (p.Gly238Ser)

Gene: ZNF423 (zinc finger protein 423; minus strand). Cytogenetic location: 16q12.1.
Variant type: single nucleotide variant.
Coding change: c.712G>A on transcript NM_001379286.1 (MANE Select); coding-DNA position 712, G replaced by A.
Protein change: p.Gly238Ser; replaces glycine 238 with serine.
Molecular consequence: missense variant.
Genome position (GRCh38, 1-based): chr16:49,638,464, C>T on the plus strand (G>A on the coding strand, the complement: ZNF423 is on the minus strand). VCF-style: chr16-49638464-C-T. GRCh37 (hg19) VCF-style: chr16-49672375-C-T.
Other names: c.688G>A (NM_015069.2, NM_015069.4); c.508G>A, p.Gly170Ser (NM_001271620.2); c.337G>A, p.Gly113Ser (NM_001330533.2); c.688G>A, p.Gly230Ser (NM_015069.5); short protein forms G113S, G170S, G230S, G238S.
Identifiers: ClinVar variation 654978 (VCV000654978.12), dbSNP rs780153015, ClinGen allele CA8046833.